The following is an entry in ClinVar:

ClinVar aggregate classification (germline): Likely pathogenic (1 of 4 stars; one submission).

Conditions:
Hereditary spastic paraplegia 3A (SPG3A). Also called: Spastic paraplegia 3A, autosomal dominant; SPASTIC PARAPLEGIA 3, AUTOSOMAL DOMINANT; FAMILIAL SPASTIC PARAPLEGIA, AUTOSOMAL DOMINANT, 1; SPG3; STRUMPELL DISEASE; Spastic Paraplegia 3A. Identifiers: Orphanet 100984, MedGen C2931355, MONDO:0008437, OMIM 182600.

Submission:

Labcorp Genetics (formerly Invitae), Labcorp
Classification: Likely pathogenic for Hereditary spastic paraplegia 3A. Last evaluated: 2019-09-27. Review status: criteria provided, single submitter. Criteria: Invitae Variant Classification Sherloc (09022015). Collection method: clinical testing. Allele origin: germline.
Comment: In summary, the currently available evidence indicates that the variant is pathogenic, but additional data are needed to prove that conclusively. Therefore, this variant has been classified as Likely Pathogenic. This variant disrupts the p.Arg495 amino acid residue in ATL1. Other variant(s) that disrupt this residue have been determined to be pathogenic (PMID: 15596607, 15742100, 17502470, 20718791, 20932283, 17321752, 23079343). This suggests that this residue is clinically significant, and that variants that disrupt this residue are likely to be disease-causing. This variant has not been reported in the literature in individuals with ATL1-related conditions. This variant is a gross deletion of the genomic region encompassing exons 3-14 of the ATL1 gene. The 5' boundary is likely confined to intron 2. The 3' end of this event is unknown as it extends through the termination codon beyond the assayed region for this gene and may encompass additional genes. While this deletion is not anticipated to result in nonsense mediated decay, it is expected to create a truncated protein product or disrupt mRNA translation.

Literature cited by the submitters: PubMed 15596607; PubMed 15742100; PubMed 17502470; PubMed 20718791; PubMed 20932283; PubMed 17321752; PubMed 23079343.

NC_000014.9:g.(?_50590931)_(50632349_?)del

Gene: ATL1 (atlastin GTPase 1; plus strand). Cytogenetic location: 14q22.1.
Variant type: Deletion.
Identifiers: ClinVar variation 832644 (VCV000832644.7).